The following is an entry in ClinVar:

ClinVar aggregate classification (germline): Likely benign (1 of 4 stars; one submission).

Allele frequency attached by ClinVar (database versions not stated): gnomAD exomes below 0.00001.
gnomAD v4.1: 3 of 1,604,884 alleles (0.00019%); highest among the groups gnomAD compares: Middle Eastern, 0.017%; no homozygotes.

Submission:

CeGaT Center for Human Genetics Tuebingen
Classification: Likely benign. Last evaluated: 2023-03-01. Review status: criteria provided, single submitter. Criteria: CeGaT Center For Human Genetics Tuebingen Variant Classification Criteria Version 2. Collection method: clinical testing. Allele origin: germline. Affected: yes. Observed: 1 variant allele.
Comment: HYDIN: BP4, BP7

NM_001270974.2(HYDIN):c.10572G>T (p.Leu3524=)

Gene: HYDIN (HYDIN axonemal central pair apparatus protein; minus strand). Cytogenetic location: 16q22.2.
Variant type: single nucleotide variant.
Coding change: c.10572G>T on transcript NM_001270974.2 (MANE Select); coding-DNA position 10572, G replaced by T.
Protein change: p.Leu3524=; no amino-acid change (leucine 3524 retained).
Molecular consequence: synonymous variant.
Genome position (GRCh38, 1-based): chr16:70,874,905, C>A on the plus strand (G>T on the coding strand, the complement: HYDIN is on the minus strand). VCF-style: chr16-70874905-C-A. GRCh37 (hg19) VCF-style: chr16-70908808-C-A.
Identifiers: ClinVar variation 2646718 (VCV002646718.24), dbSNP rs763066297, ClinGen allele CA496247467.